The following is an entry in ClinVar:

ClinVar aggregate classification (germline): Uncertain significance (1 of 4 stars; one submission).

Submission:

GeneDx
Classification: Uncertain significance. Last evaluated: 2023-11-12. Review status: criteria provided, single submitter. Criteria: GeneDx Variant Classification Process June 2021. Collection method: clinical testing. Allele origin: germline. Affected: yes.
Comment: Not observed at significant frequency in large population cohorts (gnomAD); In silico analysis supports that this missense variant has a deleterious effect on protein structure/function; Has not been previously published as pathogenic or benign to our knowledge

NM_014727.3(KMT2B):c.3133C>G (p.Pro1045Ala)

Gene: KMT2B (lysine methyltransferase 2B; plus strand). Cytogenetic location: 19q13.12.
Variant type: single nucleotide variant.
Coding change: c.3133C>G on transcript NM_014727.3 (MANE Select); coding-DNA position 3133, C replaced by G.
Protein change: p.Pro1045Ala; replaces proline 1045 with alanine.
Molecular consequence: missense variant.
Genome position (GRCh38, 1-based): chr19:35,723,806, C>G. VCF-style: chr19-35723806-C-G. GRCh37 (hg19) VCF-style: chr19-36214707-C-G.
Other names: short protein forms P1045A.
Identifiers: ClinVar variation 3364101 (VCV003364101.1).